The following is an entry in ClinVar:

ClinVar aggregate classification (germline): Uncertain significance (1 of 4 stars; one submission).

Allele frequency attached by ClinVar (database versions not stated): ExAC 0.00001; gnomAD 0.00001; TOPMed 0.00002; ESP Exome Variant Server 0.00015.
gnomAD v4.1: 2 of 1,575,594 alleles (0.00013%); highest among the groups gnomAD compares: African/African-American, 0.0013%; no homozygotes.

Submission:

Labcorp Genetics (formerly Invitae), Labcorp
Classification: Uncertain significance. Last evaluated: 2025-11-04. Review status: criteria provided, single submitter. Criteria: Invitae Variant Classification Sherloc (09022015). Collection method: clinical testing. Allele origin: germline.
Comment: This sequence change falls in intron 10 of the DCHS1 gene. It does not directly change the encoded amino acid sequence of the DCHS1 protein. It affects a nucleotide within the consensus splice site. This variant is present in population databases (rs377212410, gnomAD 0.007%). This variant has not been reported in the literature in individuals affected with DCHS1-related conditions. ClinVar contains an entry for this variant (Variation ID: 1937251). Variants that disrupt the consensus splice site are a relatively common cause of aberrant splicing (PMID: 17576681, 9536098). Algorithms developed to predict the effect of sequence changes on RNA splicing suggest that this variant is not likely to affect RNA splicing. In summary, the available evidence is currently insufficient to determine the role of this variant in disease. Therefore, it has been classified as a Variant of Uncertain Significance.

Literature cited by the submitters: PubMed 17576681; PubMed 9536098.

NM_003737.4(DCHS1):c.4795+6A>T

Gene: DCHS1 (dachsous cadherin-related 1; minus strand). Cytogenetic location: 11p15.4.
Variant type: single nucleotide variant.
Coding change: c.4795+6A>T on transcript NM_003737.4 (MANE Select); 6 bases into the intron after coding-DNA position 4795, A replaced by T.
Molecular consequence: intron variant.
Genome position (GRCh38, 1-based): chr11:6,629,993, T>A on the plus strand (A>T on the coding strand, the complement: DCHS1 is on the minus strand). VCF-style: chr11-6629993-T-A. GRCh37 (hg19) VCF-style: chr11-6651224-T-A.
Identifiers: ClinVar variation 1937251 (VCV001937251.5), dbSNP rs377212410, ClinGen allele CA5860284.